The following is an entry in ClinVar:

ClinVar aggregate classification (germline): Benign/Likely benign. Review status: criteria provided, multiple submitters, no conflicts (2 of 4 stars). 3 submissions from 3 submitters: Benign (1); Likely benign (2). Last evaluated 2026-04-15.

Conditions:
DICER1-related tumor predisposition. Also called: DICER1-related pleuropulmonary blastoma cancer predisposition syndrome; DICER1 syndrome. Identifiers: Orphanet 284343, MedGen C3839822, MONDO:0100216.
Hereditary cancer-predisposing syndrome. Also called: Hereditary Cancer Syndrome; Hereditary neoplastic syndrome; Neoplastic Syndromes, Hereditary; Tumor predisposition. Identifiers: Orphanet 140162, MedGen C0027672, MeSH D009386, MONDO:0015356.

Allele frequency attached by ClinVar (database versions not stated): gnomAD exomes below 0.00001; gnomAD 0.00001.
gnomAD v4.1: 7 of 1,597,184 alleles (0.00044%); highest among the groups gnomAD compares: Non-Finnish European, 0.0006%; no homozygotes.

Submissions (3):

Myriad Genetics, Inc.
Classification: Benign for DICER1-related tumor predisposition. Last evaluated: 2026-04-15. Review status: criteria provided, single submitter. Criteria: Myriad Autosomal Dominant, Autosomal Recessive and X-Linked Classification Criteria (2023). Collection method: clinical testing. Allele origin: unknown.
Comment: This variant is considered benign. This variant is a silent/synonymous amino acid change and it is not expected to impact splicing.

Labcorp Genetics (formerly Invitae), Labcorp
Classification: Likely benign for DICER1-related tumor predisposition. Last evaluated: 2025-11-10. Review status: criteria provided, single submitter. Criteria: Invitae Variant Classification Sherloc (09022015). Collection method: clinical testing. Allele origin: germline.

Ambry Genetics
Classification: Likely benign for Hereditary cancer-predisposing syndrome. Last evaluated: 2020-10-27. Review status: criteria provided, single submitter. Criteria: Ambry Variant Classification Scheme 2023. Collection method: clinical testing. Allele origin: germline.

NM_177438.3(DICER1):c.810G>A (p.Leu270=)

Gene: DICER1 (dicer 1, ribonuclease III; minus strand). Cytogenetic location: 14q32.13.
Variant type: single nucleotide variant.
Coding change: c.810G>A on transcript NM_177438.3 (MANE Select); coding-DNA position 810, G replaced by A.
Protein change: p.Leu270=; no amino-acid change (leucine 270 retained).
Molecular consequence: synonymous variant.
Genome position (GRCh38, 1-based): chr14:95,126,673, C>T on the plus strand (G>A on the coding strand, the complement: DICER1 is on the minus strand). VCF-style: chr14-95126673-C-T. GRCh37 (hg19) VCF-style: chr14-95593010-C-T.
Other names: c.810G>A, p.Leu270= (NM_001195573.1, NM_001271282.3, NM_001291628.2 and 1 more transcripts).
Identifiers: ClinVar variation 728334 (VCV000728334.15), dbSNP rs1019483756, ClinGen allele CA265924705.